The following is an entry in ClinVar:

NM_001103.4(ACTN2):c.2143T>C (p.Tyr715His)

Gene: ACTN2 (actinin alpha 2; plus strand). Cytogenetic location: 1q43.
Variant type: single nucleotide variant.
Coding change: c.2143T>C on transcript NM_001103.4 (MANE Select); coding-DNA position 2143, T replaced by C.
Protein change: p.Tyr715His; replaces tyrosine 715 with histidine.
Molecular consequence: missense variant.
Genome position (GRCh38, 1-based): chr1:236,755,187, T>C. VCF-style: chr1-236755187-T-C. GRCh37 (hg19) VCF-style: chr1-236918487-T-C.
Other names: c.2143T>C, p.Tyr715His (NM_001278343.2); c.1519T>C, p.Tyr507His (NM_001278344.2); short protein forms Y715H, Y507H.
Identifiers: ClinVar variation 1426390 (VCV001426390.6), dbSNP rs142922067, ClinGen allele CA39741949.
Genomic context (GRCh38, chr1:236,755,187, plus strand): 5'-CTGGAGGGAGACCATCAGCTCATCCAGGAGGCCCTTGTCTTTGACAACAAGCACACGAAC[T>C]ACACGATGGAGGTACGGCAGCCAGACAGGCGTGTGCCGCTCACTTCTCACGGGGACCATG-3'
Protein context (NP_001094.1, residues 705-725): ALVFDNKHTN[Tyr715His]TMEHIRVGWE

ClinVar aggregate classification (germline): Uncertain significance (1 of 4 stars; one submission).

Conditions:
Dilated cardiomyopathy 1AA (CMD1AA). Also called: Cardiomyopathy, dilated, 1AA, with or without LVNC; CARDIOMYOPATHY, DILATED, 1AA, WITH OR WITHOUT LEFT VENTRICULAR NONCOMPACTION; CARDIOMYOPATHY, FAMILIAL HYPERTROPHIC, 23, WITH OR WITHOUT LEFT VENTRICULAR NONCOMPACTION. Identifiers: Orphanet 154, MedGen C2677338, MONDO:0012808, OMIM 612158.
Primary familial hypertrophic cardiomyopathy (HCM). Identifiers: Orphanet 99739, MedGen C0949658, MeSH D024741, MONDO:0024573. Inheritance: Various modes of inheritance.

Allele frequency attached by ClinVar (database versions not stated): gnomAD 0.00001; TOPMed 0.00003; ESP Exome Variant Server 0.00008.

Submission:

Labcorp Genetics (formerly Invitae), Labcorp
Classification: Uncertain significance for Primary familial hypertrophic cardiomyopathy; Dilated cardiomyopathy 1AA. Last evaluated: 2024-06-18. Review status: criteria provided, single submitter. Criteria: Invitae Variant Classification Sherloc (09022015). Collection method: clinical testing. Allele origin: germline.
Comment: This sequence change replaces tyrosine, which is neutral and polar, with histidine, which is basic and polar, at codon 715 of the ACTN2 protein (p.Tyr715His). This variant is not present in population databases (gnomAD no frequency). This variant has not been reported in the literature in individuals affected with ACTN2-related conditions. ClinVar contains an entry for this variant (Variation ID: 1426390). Advanced modeling of protein sequence and biophysical properties (such as structural, functional, and spatial information, amino acid conservation, physicochemical variation, residue mobility, and thermodynamic stability) performed at Invitae indicates that this missense variant is not expected to disrupt ACTN2 protein function with a negative predictive value of 80%. In summary, the available evidence is currently insufficient to determine the role of this variant in disease. Therefore, it has been classified as a Variant of Uncertain Significance.